The following is an entry in ClinVar:

ClinVar aggregate classification (germline): Uncertain significance (1 of 4 stars; one submission).

Conditions:
Early-infantile DEE. Also called: Ohtahara syndrome; Early infantile epileptic encephalopathy with suppression bursts; Early infantile epileptic encephalopathy. Identifiers: Orphanet 1934, MedGen C0393706, MONDO:0800491.

Submission:

Labcorp Genetics (formerly Invitae), Labcorp
Classification: Uncertain significance for Early-infantile DEE. Last evaluated: 2022-01-16. Review status: criteria provided, single submitter. Criteria: Invitae Variant Classification Sherloc (09022015). Collection method: clinical testing. Allele origin: germline.
Comment: This sequence change replaces asparagine, which is neutral and polar, with aspartic acid, which is acidic and polar, at codon 276 of the SCN8A protein (p.Asn276Asp). This variant is not present in population databases (gnomAD no frequency). In summary, the available evidence is currently insufficient to determine the role of this variant in disease. Therefore, it has been classified as a Variant of Uncertain Significance. This variant disrupts the p.Asn276 amino acid residue in SCN8A. Other variant(s) that disrupt this residue have been determined to be pathogenic (Invitae). This suggests that this residue is clinically significant, and that variants that disrupt this residue are likely to be disease-causing. Algorithms developed to predict the effect of missense changes on protein structure and function are either unavailable or do not agree on the potential impact of this missense change (SIFT: "Deleterious"; PolyPhen-2: "Possibly Damaging"; Align-GVGD: "Class C0"). This variant has not been reported in the literature in individuals affected with SCN8A-related conditions.

NM_001330260.2(SCN8A):c.826A>G (p.Asn276Asp)

Gene: SCN8A (sodium voltage-gated channel alpha subunit 8; plus strand). Cytogenetic location: 12q13.13.
Variant type: single nucleotide variant.
Coding change: c.826A>G on transcript NM_001330260.2 (MANE Select); coding-DNA position 826, A replaced by G.
Protein change: p.Asn276Asp; replaces asparagine 276 with aspartic acid.
Molecular consequence: missense variant.
Genome position (GRCh38, 1-based): chr12:51,699,689, A>G. VCF-style: chr12-51699689-A-G. GRCh37 (hg19) VCF-style: chr12-52093473-A-G.
Other names: c.826A>G, p.Asn276Asp (NM_001177984.3, NM_001369788.1, NM_014191.4); short protein forms N276D.
Identifiers: ClinVar variation 2085839 (VCV002085839.4), dbSNP rs2540172954, ClinGen allele CA385226605.
Genomic context (GRCh38, chr12:51,699,689, plus strand): 5'-ATCCTGACAGTGTTCTGCCTGAGTGTTTTTGCCTTGATCGGACTGCAGCTGTTCATGGGG[A>G]ACCTTCGAAACAAGTGTGTTGTGTGGCCCATAAACTTCAACGAGAGCTATCTTGAAAATG-3'
Protein context (NP_001317189.1, residues 266-286): ALIGLQLFMG[Asn276Asp]LRNKCVVWPI